The following is an entry in ClinVar:

NM_006302.3(MOGS):c.476A>C (p.Gln159Pro)

Gene: MOGS (mannosyl-oligosaccharide glucosidase; minus strand). Cytogenetic location: 2p13.1.
Variant type: single nucleotide variant.
Coding change: c.476A>C on transcript NM_006302.3 (MANE Select); coding-DNA position 476, A replaced by C.
Protein change: p.Gln159Pro; replaces glutamine 159 with proline.
Molecular consequence: missense variant.
Genome position (GRCh38, 1-based): chr2:74,464,599, T>G on the plus strand (A>C on the coding strand, the complement: MOGS is on the minus strand). VCF-style: chr2-74464599-T-G. GRCh37 (hg19) VCF-style: chr2-74691726-T-G.
Other names: c.158A>C, p.Gln53Pro (NM_001146158.2); short protein forms Q159P, Q53P.
Identifiers: ClinVar variation 2121654 (VCV002121654.4), dbSNP rs776263791, ClinGen allele CA347381187.

ClinVar aggregate classification (germline): Uncertain significance (1 of 4 stars; one submission).

Conditions:
MOGS-congenital disorder of glycosylation. Also called: CDG IIb; GLUCOSIDASE I DEFICIENCY; CDG 2B; MOGS-CDG. Identifiers: Orphanet 79330, MedGen C1853736, MONDO:0011629, OMIM 606056.

Submission:

Labcorp Genetics (formerly Invitae), Labcorp
Classification: Uncertain significance for MOGS-congenital disorder of glycosylation. Last evaluated: 2022-04-04. Review status: criteria provided, single submitter. Criteria: Invitae Variant Classification Sherloc (09022015). Collection method: clinical testing. Allele origin: germline.
Comment: This variant has not been reported in the literature in individuals affected with MOGS-related conditions. This variant is not present in population databases (gnomAD no frequency). This sequence change replaces glutamine, which is neutral and polar, with proline, which is neutral and non-polar, at codon 159 of the MOGS protein (p.Gln159Pro). Algorithms developed to predict the effect of missense changes on protein structure and function (SIFT, PolyPhen-2, Align-GVGD) all suggest that this variant is likely to be disruptive. In summary, the available evidence is currently insufficient to determine the role of this variant in disease. Therefore, it has been classified as a Variant of Uncertain Significance.